The following is an entry in ClinVar:

NM_145178.4(ATOH7):c.389C>A (p.Pro130Gln)

Gene: ATOH7 (atonal bHLH transcription factor 7; minus strand). Cytogenetic location: 10q21.3.
Variant type: single nucleotide variant.
Coding change: c.389C>A on transcript NM_145178.4 (MANE Select); coding-DNA position 389, C replaced by A.
Protein change: p.Pro130Gln; replaces proline 130 with glutamine.
Molecular consequence: missense variant.
Genome position (GRCh38, 1-based): chr10:68,231,289, G>T on the plus strand (C>A on the coding strand, the complement: ATOH7 is on the minus strand). VCF-style: chr10-68231289-G-T. GRCh37 (hg19) VCF-style: chr10-69991046-G-T.
Other names: c.389C>A (NM_145178.2); short protein forms P130Q.
Identifiers: ClinVar variation 1475758 (VCV001475758.6), dbSNP rs1044421755, ClinGen allele CA208209398.

ClinVar aggregate classification (germline): Uncertain significance. Review status: criteria provided, multiple submitters, no conflicts (2 of 4 stars). 2 submissions from 2 submitters: Uncertain significance (2). Last evaluated 2024-05-20.

Allele frequency attached by ClinVar (database versions not stated): TOPMed 0.00002.

Submissions (2):

Ambry Genetics
Classification: Uncertain significance. Last evaluated: 2024-05-20. Review status: criteria provided, single submitter. Criteria: Ambry Variant Classification Scheme 2023. Collection method: clinical testing. Allele origin: germline.

Labcorp Genetics (formerly Invitae), Labcorp
Classification: Uncertain significance. Last evaluated: 2022-11-01. Review status: criteria provided, single submitter. Criteria: Invitae Variant Classification Sherloc (09022015). Collection method: clinical testing. Allele origin: germline.
Comment: This sequence change replaces proline, which is neutral and non-polar, with glutamine, which is neutral and polar, at codon 130 of the ATOH7 protein (p.Pro130Gln). This variant is present in population databases (no rsID available, gnomAD 0.007%). This variant has not been reported in the literature in individuals affected with ATOH7-related conditions. ClinVar contains an entry for this variant (Variation ID: 1475758). Algorithms developed to predict the effect of missense changes on protein structure and function output the following: SIFT: "Tolerated"; PolyPhen-2: "Benign"; Align-GVGD: "Class C0". The glutamine amino acid residue is found in multiple mammalian species, which suggests that this missense change does not adversely affect protein function. In summary, the available evidence is currently insufficient to determine the role of this variant in disease. Therefore, it has been classified as a Variant of Uncertain Significance.